The following is an entry in ClinVar:

NM_004481.5(GALNT2):c.941A>C (p.Asp314Ala)

Gene: GALNT2 (polypeptide N-acetylgalactosaminyltransferase 2; plus strand). Cytogenetic location: 1q42.13.
Variant type: single nucleotide variant.
Coding change: c.941A>C on transcript NM_004481.5 (MANE Select); coding-DNA position 941, A replaced by C.
Protein change: p.Asp314Ala; replaces aspartic acid 314 with alanine.
Molecular consequence: missense variant.
Genome position (GRCh38, 1-based): chr1:230,250,492, A>C. VCF-style: chr1-230250492-A-C. GRCh37 (hg19) VCF-style: chr1-230386238-A-C.
Other names: c.827A>C, p.Asp276Ala (NM_001291866.2); short protein forms D276A, D314A.
Identifiers: ClinVar variation 1168379 (VCV001168379.32), dbSNP rs78164071, ClinGen allele CA1446354.

ClinVar aggregate classification (germline): Benign/Likely benign. Review status: criteria provided, multiple submitters, no conflicts (2 of 4 stars). 3 submissions from 3 submitters: Benign (2); Likely benign (1). Last evaluated 2026-01-27.

Allele frequency attached by ClinVar (database versions not stated): 1000 Genomes Project 30x 0.00094; 1000 Genomes Project 0.00120; gnomAD 0.00235 and 0.00244; gnomAD exomes 0.00238 and 0.00330; ExAC 0.00241; ESP Exome Variant Server 0.00261; TOPMed 0.00278.
gnomAD v4.1: 5,216 of 1,614,012 alleles (0.32%); highest among the groups gnomAD compares: Non-Finnish European, 0.38%; 11 homozygotes.

Submissions (3):

Labcorp Genetics (formerly Invitae), Labcorp
Classification: Benign. Last evaluated: 2026-01-27. Review status: criteria provided, single submitter. Criteria: Invitae Variant Classification Sherloc (09022015). Collection method: clinical testing. Allele origin: germline.

CeGaT Center for Human Genetics Tuebingen
Classification: Likely benign. Last evaluated: 2022-06-01. Review status: criteria provided, single submitter. Criteria: CeGaT Center For Human Genetics Tuebingen Variant Classification Criteria Version 2. Collection method: clinical testing. Allele origin: germline. Affected: yes. Observed: 1 variant allele.
Comment: GALNT2: BS2

Breakthrough Genomics
Classification: Benign. Review status: criteria provided, single submitter. Criteria: ACMG Guidelines, 2015. Collection method: not provided. Allele origin: germline. Inheritance: Autosomal recessive inheritance. Affected: yes.